The following is an entry in ClinVar:

ClinVar aggregate classification (germline): Pathogenic/Likely pathogenic. Review status: criteria provided, multiple submitters, no conflicts (2 of 4 stars). 2 submissions from 2 submitters: Pathogenic (1); Likely pathogenic (1). Last evaluated 2025-04-24.

Conditions:
Congenital sideroblastic anemia-B-cell immunodeficiency-periodic fever-developmental delay syndrome. Also called: Sideroblastic anemia with B-cell immunodeficiency, periodic fevers, and developmental delay. Identifiers: Orphanet 369861, MedGen C4015172, MONDO:0014487, OMIM 616084.
Retinitis pigmentosa and erythrocytic microcytosis (RPEM). Identifiers: MedGen C4310776, MONDO:0014850, OMIM 616959.

Allele frequency attached by ClinVar (database versions not stated): gnomAD exomes below 0.00001 and 0.00001; gnomAD 0.00001; TOPMed 0.00001; ExAC 0.00002.

Submissions (2):

Labcorp Genetics (formerly Invitae), Labcorp
Classification: Pathogenic for Congenital sideroblastic anemia-B-cell immunodeficiency-periodic fever-developmental delay syndrome. Last evaluated: 2025-04-24. Review status: criteria provided, single submitter. Criteria: Invitae Variant Classification Sherloc (09022015). Collection method: clinical testing. Allele origin: germline.
Comment: This sequence change creates a premature translational stop signal (p.Thr337Lysfs*7) in the TRNT1 gene. While this is not anticipated to result in nonsense mediated decay, it is expected to disrupt the last 98 amino acid(s) of the TRNT1 protein. This variant is present in population databases (rs772805677, gnomAD 0.007%). This variant has not been reported in the literature in individuals affected with TRNT1-related conditions. ClinVar contains an entry for this variant (Variation ID: 933693). Algorithms developed to predict the effect of sequence changes on RNA splicing suggest that this variant may disrupt the consensus splice site. This variant disrupts a region of the TRNT1 protein in which other variant(s) (p.Ser418Lysfs*9) have been determined to be pathogenic (PMID: 25193871, 26494905, 29358286). This suggests that this is a clinically significant region of the protein, and that variants that disrupt it are likely to be disease-causing. For these reasons, this variant has been classified as Pathogenic.

Fulgent Genetics
Classification: Likely pathogenic for Congenital sideroblastic anemia-B-cell immunodeficiency-periodic fever-developmental delay syndrome; Retinitis pigmentosa and erythrocytic microcytosis. Last evaluated: 2022-04-06. Review status: criteria provided, single submitter. Criteria: ACMG Guidelines, 2015. Collection method: clinical testing. Allele origin: unknown.

Literature cited by the submitters: PubMed 25193871 (cited by Labcorp Genetics (formerly Invitae), Labcorp); PubMed 26494905 (cited by Labcorp Genetics (formerly Invitae), Labcorp); PubMed 29358286 (cited by Labcorp Genetics (formerly Invitae), Labcorp).

NM_182916.3(TRNT1):c.1010del (p.Thr337fs)

Gene: TRNT1 (tRNA nucleotidyl transferase 1; plus strand). Cytogenetic location: 3p26.2.
Variant type: Deletion.
Coding change: c.1010del on transcript NM_182916.3 (MANE Select); coding-DNA position 1010, one base deleted (C; older notation c.1010delC).
Protein change: p.Thr337fs; shifts the reading frame from threonine 337.
Molecular consequence: frameshift variant. On other transcripts: non-coding transcript variant (8).
Genome position (GRCh38, 1-based): chr3:3,147,657, C deleted. VCF-style (leftmost placement, unchanged base first): chr3-3147656-AC-A. GRCh37 (hg19) VCF-style: chr3-3189340-AC-A.
Other names: c.950del, p.Thr317fs (NM_001302946.2); c.1010del, p.Thr337fs (NM_001367321.1, NM_001367322.1, NM_001367323.1); short protein forms T317fs, T337fs.
Identifiers: ClinVar variation 933693 (VCV000933693.7), dbSNP rs772805677, ClinGen allele CA2228842.